The following is an entry in ClinVar:

NM_002439.5(MSH3):c.1365C>T (p.Val455=)

Gene: MSH3 (mutS homolog 3; plus strand). Cytogenetic location: 5q14.1.
Variant type: single nucleotide variant.
Coding change: c.1365C>T on transcript NM_002439.5 (MANE Select); coding-DNA position 1365, C replaced by T.
Protein change: p.Val455=; no amino-acid change (valine 455 retained).
Molecular consequence: synonymous variant.
Genome position (GRCh38, 1-based): chr5:80,725,477, C>T. VCF-style: chr5-80725477-C-T. GRCh37 (hg19) VCF-style: chr5-80021296-C-T.
Identifiers: ClinVar variation 759172 (VCV000759172.22), dbSNP rs771995449, ClinGen allele CA3327886.

ClinVar aggregate classification (germline): Likely benign. Review status: criteria provided, multiple submitters, no conflicts (2 of 4 stars). 4 submissions from 4 submitters: Likely benign (4). Last evaluated 2026-08-01.

Conditions:
Hereditary cancer-predisposing syndrome. Also called: Hereditary neoplastic syndrome; Hereditary Cancer Syndrome; Neoplastic Syndromes, Hereditary; Tumor predisposition. Identifiers: Orphanet 140162, MedGen C0027672, MeSH D009386, MONDO:0015356.

Allele frequency attached by ClinVar (database versions not stated): ExAC 0.00002; gnomAD exomes 0.00002; gnomAD 0.00003; TOPMed 0.00004.
gnomAD v4.1: 90 of 1,613,072 alleles (0.0056%); highest among the groups gnomAD compares: Non-Finnish European, 0.0068%; no homozygotes.

Submissions (4):

CeGaT Center for Human Genetics Tuebingen
Classification: Likely benign. Last evaluated: 2026-08-01. Review status: criteria provided, single submitter. Criteria: CeGaT Center For Human Genetics Tuebingen Variant Classification Criteria Version 2. Collection method: clinical testing. Allele origin: germline. Affected: yes. Observed: 1 variant allele.
Comment: MSH3: BP4, BP7

Labcorp Genetics (formerly Invitae), Labcorp
Classification: Likely benign. Last evaluated: 2026-01-25. Review status: criteria provided, single submitter. Criteria: Invitae Variant Classification Sherloc (09022015). Collection method: clinical testing. Allele origin: germline.

Center for Genomic Medicine, Rigshospitalet, Copenhagen University Hospital
Classification: Likely benign. Last evaluated: 2025-03-04. Review status: criteria provided, single submitter. Criteria: ACMG Guidelines, 2015. Collection method: clinical testing. Allele origin: germline.

Ambry Genetics
Classification: Likely benign for Hereditary cancer-predisposing syndrome. Last evaluated: 2019-02-15. Review status: criteria provided, single submitter. Criteria: Ambry Variant Classification Scheme 2023. Collection method: clinical testing. Allele origin: germline.